The following is an entry in ClinVar:

ClinVar aggregate classification (germline): Uncertain significance. Review status: criteria provided, multiple submitters, no conflicts (2 of 4 stars). 2 submissions from 2 submitters: Uncertain significance (2). Last evaluated 2026-07-07.

Conditions:
Hereditary cancer-predisposing syndrome. Also called: Tumor predisposition; Hereditary neoplastic syndrome; Neoplastic Syndromes, Hereditary; Hereditary Cancer Syndrome. Identifiers: Orphanet 140162, MedGen C0027672, MeSH D009386, MONDO:0015356.
Rhabdoid tumor predisposition syndrome 2 (RTPS2). Identifiers: Orphanet 231108, Orphanet 69077, MedGen C2750074, MONDO:0013224, OMIM 613325.

Submissions (2):

Ambry Genetics
Classification: Uncertain significance for Hereditary cancer-predisposing syndrome. Last evaluated: 2026-07-07. Review status: criteria provided, single submitter. Criteria: Ambry Variant Classification Scheme 2023. Collection method: clinical testing. Allele origin: germline.
Comment: The p.S1167W variant (also known as c.3500C>G), located in coding exon 24 of the SMARCA4 gene, results from a C to G substitution at nucleotide position 3500. The serine at codon 1167 is replaced by tryptophan, an amino acid with highly dissimilar properties. This amino acid position is conserved. In addition, this alteration is predicted to be deleterious by in silico analysis. Based on the available evidence, the clinical significance of this variant remains unclear.

Labcorp Genetics (formerly Invitae), Labcorp
Classification: Uncertain significance for Rhabdoid tumor predisposition syndrome 2. Last evaluated: 2019-05-25. Review status: criteria provided, single submitter. Criteria: Invitae Variant Classification Sherloc (09022015). Collection method: clinical testing. Allele origin: germline.
Comment: Algorithms developed to predict the effect of missense changes on protein structure and function (SIFT, PolyPhen-2, Align-GVGD) all suggest that this variant is likely to be disruptive, but these predictions have not been confirmed by published functional studies and their clinical significance is uncertain. This sequence change replaces serine with tryptophan at codon 1167 of the SMARCA4 protein (p.Ser1167Trp). The serine residue is highly conserved and there is a large physicochemical difference between serine and tryptophan. This variant is not present in population databases (ExAC no frequency). This variant has not been reported in the literature in individuals with SMARCA4-related conditions. In summary, the available evidence is currently insufficient to determine the role of this variant in disease. Therefore, it has been classified as a Variant of Uncertain Significance.

NM_003072.5(SMARCA4):c.3500C>G (p.Ser1167Trp)

Gene: SMARCA4 (SWI/SNF related BAF chromatin remodeling complex subunit ATPase 4; plus strand). Cytogenetic location: 19p13.2.
Variant type: single nucleotide variant.
Coding change: c.3500C>G on transcript NM_003072.5 (MANE Select); coding-DNA position 3500, C replaced by G.
Protein change: p.Ser1167Trp; replaces serine 1167 with tryptophan.
Molecular consequence: missense variant. On other transcripts: non-coding transcript variant (1).
Genome position (GRCh38, 1-based): chr19:11,030,847, C>G. VCF-style: chr19-11030847-C-G. GRCh37 (hg19) VCF-style: chr19-11141523-C-G.
Other names: c.3500C>G, p.Ser1167Trp (NM_001128844.3, NM_001128845.2, NM_001128846.2 and 4 more transcripts); short protein forms S1167W.
Identifiers: ClinVar variation 851206 (VCV000851206.10), dbSNP rs1192589668, ClinGen allele CA404063223.